The following is an entry in ClinVar:

ClinVar aggregate classification (germline): Uncertain significance (1 of 4 stars; one submission).

Conditions:
Inborn genetic diseases. Identifiers: MedGen C0950123, MeSH D030342.

Submission:

Ambry Genetics
Classification: Uncertain significance for Inborn genetic diseases. Last evaluated: 2026-07-09. Review status: criteria provided, single submitter. Criteria: Ambry Variant Classification Scheme 2023. Collection method: clinical testing. Allele origin: germline.
Comment: The p.S83T variant (also known as c.248G>C), located in coding exon 3 of the FANCG gene, results from a G to C substitution at nucleotide position 248. The serine at codon 83 is replaced by threonine, an amino acid with similar properties. This amino acid position is conserved. In addition, this alteration is predicted to be tolerated by in silico analysis. Based on the available evidence, the clinical significance of this variant remains unclear.

NM_004629.2(FANCG):c.248G>C (p.Ser83Thr)

Gene: FANCG (FA complementation group G; minus strand). Cytogenetic location: 9p13.3.
Variant type: single nucleotide variant.
Coding change: c.248G>C on transcript NM_004629.2 (MANE Select); coding-DNA position 248, G replaced by C.
Protein change: p.Ser83Thr; replaces serine 83 with threonine.
Molecular consequence: missense variant.
Genome position (GRCh38, 1-based): chr9:35,078,664, C>G on the plus strand (G>C on the coding strand, the complement: FANCG is on the minus strand). VCF-style: chr9-35078664-C-G. GRCh37 (hg19) VCF-style: chr9-35078661-C-G.
Other names: short protein forms S83T.
Identifiers: ClinVar variation 5036502 (VCV005036502.1).